The following is an entry in ClinVar:

NM_006755.2(TALDO1):c.931G>A (p.Gly311Arg)

Gene: TALDO1 (transaldolase 1; plus strand). Cytogenetic location: 11p15.5.
Variant type: single nucleotide variant.
Coding change: c.931G>A on transcript NM_006755.2 (MANE Select); coding-DNA position 931, G replaced by A.
Protein change: p.Gly311Arg; replaces glycine 311 with arginine.
Molecular consequence: missense variant.
Genome position (GRCh38, 1-based): chr11:764,383, G>A. VCF-style: chr11-764383-G-A. GRCh37 (hg19) VCF-style: chr11-764383-G-A.
Other names: short protein forms G311R.
Identifiers: ClinVar variation 2636699 (VCV002636699.2), dbSNP rs753787975, ClinGen allele CA5788355.
Genomic context (GRCh38, chr11:764,383, plus strand): 5'-GAGAAGTCTTTCCGTTGGTTGCACAACGAGGACCAGATGGCTGTGGAGAAGCTCTCTGAC[G>A]GGATCCGCAAGTTTGCCGCTGATGCAGTGAAGCTGGAGCGGATGCTGACAGTGAGTGTTG-3'
Protein context (NP_006746.1, residues 301-321): DQMAVEKLSD[Gly311Arg]IRKFAADAVK

ClinVar aggregate classification (germline): Likely pathogenic (1 of 4 stars; one submission).

Conditions:
TALDO1-related disorder. Also called: TALDO1-related condition.

Allele frequency attached by ClinVar (database versions not stated): TOPMed below 0.00001; gnomAD 0.00001; ExAC 0.00002.
gnomAD v4.1: 21 of 1,613,552 alleles (0.0013%); highest among the groups gnomAD compares: South Asian, 0.0022%; no homozygotes.

Submission:

PreventionGenetics, part of Exact Sciences
Classification: Likely pathogenic for TALDO1-related condition. Last evaluated: 2025-04-11. Review status: criteria provided, single submitter. Criteria: ACMG Guidelines, 2015. Collection method: clinical testing. Allele origin: germline.
Comment: The TALDO1 c.931G>A variant is predicted to result in the amino acid substitution p.Gly311Arg. This variant has been reported in the compound heterozygous condition in an individual with transaldolase deficiency (Balasubramaniam et al. 2011. PubMed ID: 21119539). Alternate substitutions of this amino acid (p.Gly311Trp) have been reported in the compound heterozygous condition in an individual with transaldolase deficiency (Lee-Barber et al. 2018. PubMed ID: 29923087). This variant is reported in 0.0035% of alleles in individuals of European (Non-Finnish) descent in gnomAD. This variant is interpreted as likely pathogenic.